The following is an entry in ClinVar:

NM_002473.6(MYH9):c.4932+3_4932+23del

Gene: MYH9 (myosin heavy chain 9; minus strand). Cytogenetic location: 22q12.3.
Variant type: Deletion.
Coding change: c.4932+3_4932+23del on transcript NM_002473.6 (MANE Select); bases 3 to 23 of the intron after coding-DNA position 4932, 21 bases deleted (AAGGGTGGGCGGGGCCCAGGT).
Molecular consequence: splice donor variant.
Genome position (GRCh38, 1-based): chr22:36,288,229-36,288,249, ACCTGGGCCCCGCCCACCCTT deleted on the plus strand (AAGGGTGGGCGGGGCCCAGGT on the coding strand, the reverse complement: MYH9 is on the minus strand); deleting any 21 consecutive bases within chr22:36,288,229-36,288,254 gives the same sequence; the c. name uses the placement nearest the transcript's 3' end. VCF-style (leftmost placement, unchanged base first): chr22-36288228-CACCTGGGCCCCGCCCACCCTT-C. GRCh37 (hg19) VCF-style: chr22-36684274-CACCTGGGCCCCGCCCACCCTT-C.
Identifiers: ClinVar variation 4531846 (VCV004531846.2).
Genomic context (GRCh38, chr22:36,288,228, plus strand): 5'-CCCTGGGCCGAGCCCTGGCACCTTCATATGTAGTTGGCTCAGTCGGGTGCCGCCCACCCT[CACCTGGGCCCCGCCCACCCTT>C]ACCTGCAGCTTCCGCAGCTGTTTGATGGCTTCGTCCCGGTTCTTGTTGGCCGAGTCGATG-3'

ClinVar aggregate classification (germline): Conflicting classifications of pathogenicity. Review status: criteria provided, conflicting classifications (1 of 4 stars). 2 submissions from 2 submitters: Uncertain significance (1); Likely benign (1). Last evaluated 2025-10-21.

Conditions:
Macrothrombocytopenia and granulocyte inclusions with or without nephritis or sensorineural hearing loss (MATINS). Also called: MACROTHROMBOCYTOPENIA, NEPHRITIS, DEAFNESS, AND LEUKOCYTE INCLUSIONS; ALPORT SYNDROME WITH MACROTHROMBOCYTOPENIA; MAY-HEGGLIN ANOMALY; DOHLE LEUKOCYTE INCLUSIONS WITH GIANT PLATELETS; MACROTHROMBOCYTOPENIA WITH LEUKOCYTE INCLUSIONS; BLEEDING DISORDER, PLATELET-TYPE, 6. Identifiers: Orphanet 182050, MedGen C5200934, MONDO:0015912, OMIM 155100.

Submissions (2):

Victorian Clinical Genetics Services, Murdoch Childrens Research Institute
Classification: Uncertain significance for Macrothrombocytopenia and granulocyte inclusions with or without nephritis or sensorineural hearing loss. Last evaluated: 2025-10-21. Review status: criteria provided, single submitter. Criteria: ACMG Guidelines, 2015. Collection method: clinical testing. Allele origin: germline. Affected: yes.
Comment: This variant is classified as VUS-3C. Evidence in support of pathogenic classification: Non-canonical splice site variant without proven consequence on splicing (no functional evidence available); Variant is absent from gnomAD (v2, v3 and v4). Evidence in support of benign classification: Abnormal splicing is not predicted and nucleotides are poorly conserved. Additional information: This variant is heterozygous; This gene is associated with autosomal dominant disease; This variant has no previous evidence of pathogenicity; No published evidence of segregation with disease has been identified for this variant; No published functional evidence has been identified for this variant; No comparable non-canonical splice variants have previous evidence for pathogenicity; Dominant negative and loss of function are likely mechanisms of disease in this gene, and are associated with macrothrombocytopenia and granulocyte inclusions with or without nephritis or sensorineural hearing loss (MIM#155100), and autosomal dominant deafness 17 (MIM#603622) (PMIDs: 20301740, 32545517); Variants in this gene are known to have variable expressivity. Expressivity varies for onset and severity of sensorineural deafness, glomerular nephropathy, presenile cataract, and alterations of liver enzymes (PMID: 20301740); Inheritance information for this variant is not currently available in this individual.

Blueprint Genetics
Classification: Likely benign. Last evaluated: 2019-09-26. Review status: criteria provided, single submitter. Criteria: ACMG Guidelines, 2015. Collection method: clinical testing. Allele origin: germline.

Literature cited by the submitters: PubMed 32545517 (cited by Victorian Clinical Genetics Services, Murdoch Childrens Research Institute); PubMed 20301740 (cited by Victorian Clinical Genetics Services, Murdoch Childrens Research Institute).